The following is an entry in ClinVar:

ClinVar aggregate classification (germline): Uncertain significance (1 of 4 stars; one submission).

gnomAD v4.1: 1 of 1,613,442 alleles (0.000062%); no homozygotes.

Submission:

GeneDx
Classification: Uncertain significance. Last evaluated: 2023-07-12. Review status: criteria provided, single submitter. Criteria: GeneDx Variant Classification Process June 2021. Collection method: clinical testing. Allele origin: germline. Affected: yes.
Comment: Not observed at significant frequency in large population cohorts (gnomAD); In silico analysis supports that this missense variant has a deleterious effect on protein structure/function; Has not been previously published as pathogenic or benign to our knowledge

NM_004999.4(MYO6):c.3398C>T (p.Ser1133Phe)

Gene: MYO6 (myosin VI; plus strand). Cytogenetic location: 6q14.1.
Variant type: single nucleotide variant.
Coding change: c.3398C>T on transcript NM_004999.4 (MANE Select); coding-DNA position 3398, C replaced by T.
Protein change: p.Ser1133Phe; replaces serine 1133 with phenylalanine.
Molecular consequence: missense variant. On other transcripts: non-coding transcript variant (1).
Genome position (GRCh38, 1-based): chr6:75,908,613, C>T. VCF-style: chr6-75908613-C-T. GRCh37 (hg19) VCF-style: chr6-76618330-C-T.
Other names: c.3329C>T, p.Ser1110Phe (NM_001300899.2, NM_001368136.1); c.3386C>T, p.Ser1129Phe (NM_001368137.1); c.3314C>T, p.Ser1105Phe (NM_001368138.1); c.3425C>T, p.Ser1142Phe (NM_001368865.1, NM_001368866.1); short protein forms S1105F, S1110F, S1129F, S1133F, S1142F.
Identifiers: ClinVar variation 3360854 (VCV003360854.1).